The following is an entry in ClinVar:

NM_133510.4(RAD51B):c.857C>T (p.Thr286Ile)

Gene: RAD51B (RAD51 paralog B; plus strand). Cytogenetic location: 14q24.1.
Variant type: single nucleotide variant.
Coding change: c.857C>T on transcript NM_133510.4 (MANE Select); coding-DNA position 857, C replaced by T.
Protein change: p.Thr286Ile; replaces threonine 286 with isoleucine.
Molecular consequence: missense variant.
Genome position (GRCh38, 1-based): chr14:68,411,427, C>T. VCF-style: chr14-68411427-C-T. GRCh37 (hg19) VCF-style: chr14-68878144-C-T.
Other names: c.857C>T, p.Thr286Ile (NM_001321809.2, NM_001321810.2, NM_001321812.1 and 6 more transcripts); c.743C>T, p.Thr248Ile (NM_001321815.1); c.500C>T, p.Thr167Ile (NM_001321817.2); short protein forms T286I, T167I, T248I.
Identifiers: ClinVar variation 3429684 (VCV003429684.2).
Genomic context (GRCh38, chr14:68,411,427, plus strand): 5'-TGAAATGCCATCTCAAGAAAGGGCATCTGAAAGCGTGCTTTTACCATTTCATTTCAGGCA[C>T]TTCTGGATCCAGCTGTGTGATAGCCGCACTAGGAAATACCTGGAGTCACAGTGTGAATAC-3'
Protein context (NP_598194.1, residues 276-296): PADDLSLSEG[Thr286Ile]SGSSCVIAAL

ClinVar aggregate classification (germline): Uncertain significance (1 of 4 stars; one submission).

gnomAD v4.1: 22 of 1,613,990 alleles (0.0014%); highest among the groups gnomAD compares: African/African-American, 0.027%; no homozygotes.

Submission:

Ambry Genetics
Classification: Uncertain significance. Last evaluated: 2024-12-15. Review status: criteria provided, single submitter. Criteria: Ambry Variant Classification Scheme 2023. Collection method: clinical testing. Allele origin: germline.
Comment: The p.T286I variant (also known as c.857C>T), located in coding exon 8 of the RAD51B gene, results from a C to T substitution at nucleotide position 857. The threonine at codon 286 is replaced by isoleucine, an amino acid with similar properties. This amino acid position is conserved. In addition, this alteration is predicted to be tolerated by in silico analysis. Based on the available evidence, the clinical significance of this variant remains unclear.